The following is an entry in ClinVar:

NM_177550.5(SLC13A5):c.1157-153T>G

Gene: SLC13A5 (solute carrier family 13 member 5; minus strand). Cytogenetic location: 17p13.1.
Variant type: single nucleotide variant.
Coding change: c.1157-153T>G on transcript NM_177550.5 (MANE Select); 153 bases into the intron before coding-DNA position 1157, T replaced by G.
Molecular consequence: intron variant.
Genome position (GRCh38, 1-based): chr17:6,693,315, A>C on the plus strand (T>G on the coding strand, the complement: SLC13A5 is on the minus strand). VCF-style: chr17-6693315-A-C. GRCh37 (hg19) VCF-style: chr17-6596634-A-C.
Other names: c.1028-153T>G (NM_001284510.2); c.1106-153T>G (NM_001284509.2); c.1157-153T>G (NM_001143838.3).
Identifiers: ClinVar variation 678184 (VCV000678184.1), dbSNP rs147653004, ClinGen allele CA287385649.

ClinVar aggregate classification (germline): Likely benign (1 of 4 stars; one submission).

Allele frequency attached by ClinVar (database versions not stated): gnomAD exomes 0.00054; gnomAD 0.00405; TOPMed 0.00433; 1000 Genomes Project 0.00539; 1000 Genomes Project 30x 0.00547.
gnomAD v4.1: 834 of 586,640 alleles (0.14%); highest among the groups gnomAD compares: African/African-American, 1.3%; 3 homozygotes.

Submission:

GeneDx
Classification: Likely benign. Last evaluated: 2018-06-19. Review status: criteria provided, single submitter. Criteria: GeneDx Variant Classification (06012015). Collection method: clinical testing. Allele origin: germline. Affected: yes.
Comment: This variant is considered likely benign or benign based on one or more of the following criteria: it is a conservative change, it occurs at a poorly conserved position in the protein, it is predicted to be benign by multiple in silico algorithms, and/or has population frequency not consistent with disease.